The following is an entry in ClinVar:

ClinVar aggregate classification (germline): Uncertain significance (1 of 4 stars; one submission).

gnomAD v4.1: 3 of 1,595,240 alleles (0.00019%); highest among the groups gnomAD compares: Non-Finnish European, 0.00026%; no homozygotes.

Submission:

GeneDx
Classification: Uncertain significance. Last evaluated: 2017-01-04. Review status: criteria provided, single submitter. Criteria: GeneDx Variant Classification (06012015). Collection method: clinical testing. Allele origin: germline. Affected: yes.
Comment: A variant of uncertain significance has been identified in the RIN2 gene. The I149M variant has not been published as a pathogenic variant, nor has it been reported as a benign variant to our knowledge. This variant was not observed in approximately 6,000 individuals of European and African American ancestry in the NHLBI Exome Sequencing Project. However, although this substitution occurs at a position where only amino acids with similar properties to Isoleucine are tolerated across species, I149M is a conservative amino acid substitution, which is not likely to impact secondary protein structure as these residues share similar properties. Additionally, in silico analysis is inconsistent in its predictions as to whether or not the variant is damaging to the protein structure/function.Therefore, based on the currently available information, it is unclear whether this variant is pathogenic or rare benign.

NM_018993.4(RIN2):c.447A>G (p.Ile149Met)

Gene: RIN2 (Ras and Rab interactor 2; plus strand). Cytogenetic location: 20p11.23.
Variant type: single nucleotide variant.
Coding change: c.447A>G on transcript NM_018993.4 (MANE Select); coding-DNA position 447, A replaced by G.
Protein change: p.Ile149Met; replaces isoleucine 149 with methionine.
Molecular consequence: missense variant. On other transcripts: 5 prime UTR variant (1).
Genome position (GRCh38, 1-based): chr20:19,960,795, A>G. VCF-style: chr20-19960795-A-G. GRCh37 (hg19) VCF-style: chr20-19941439-A-G.
Other names: c.594A>G, p.Ile198Met (NM_001242581.2); c.-99A>G (NM_001378238.1); short protein forms I149M, I198M.
Identifiers: ClinVar variation 392332 (VCV000392332.2), dbSNP rs1057524446, ClinGen allele CA16608335.